The following is an entry in ClinVar:

NM_002519.3(NPAT):c.2252C>T (p.Ser751Phe)

Gene: NPAT (nuclear protein, coactivator of histone transcription; minus strand). Cytogenetic location: 11q22.3.
Variant type: single nucleotide variant.
Coding change: c.2252C>T on transcript NM_002519.3 (MANE Select); coding-DNA position 2252, C replaced by T.
Protein change: p.Ser751Phe; replaces serine 751 with phenylalanine.
Molecular consequence: missense variant.
Genome position (GRCh38, 1-based): chr11:108,172,732, G>A on the plus strand (C>T on the coding strand, the complement: NPAT is on the minus strand). VCF-style: chr11-108172732-G-A. GRCh37 (hg19) VCF-style: chr11-108043459-G-A.
Other names: c.2252C>T, p.Ser751Phe (NM_001321307.1); short protein forms S751F.
Identifiers: ClinVar variation 3407235 (VCV003407235.1).
Genomic context (GRCh38, chr11:108,172,732, plus strand): 5'-ATAGTTGGCAGGTTTTCTCCATTAATACTAGAAACAGCACTGGTAAGTTCAGTATCTGAG[G>A]AAACAAATGGATCATCACTAATGATAACTTTGAGAGAGACGATATTTGATGCATCTATCT-3'
Protein context (NP_002510.2, residues 741-761): KVIISDDPFV[Ser751Phe]SDTELTSAVS

ClinVar aggregate classification (germline): Uncertain significance (1 of 4 stars; one submission).

gnomAD v4.1: 1 of 1,613,366 alleles (0.000062%); highest among the groups gnomAD compares: East Asian, 0.0022%; no homozygotes.

Submission:

Ambry Genetics
Classification: Uncertain significance. Last evaluated: 2024-10-12. Review status: criteria provided, single submitter. Criteria: Ambry Variant Classification Scheme 2023. Collection method: clinical testing. Allele origin: germline.
Comment: The p.S751F variant (also known as c.2252C>T), located in coding exon 13 of the NPAT gene, results from a C to T substitution at nucleotide position 2252. The serine at codon 751 is replaced by phenylalanine, an amino acid with highly dissimilar properties. This amino acid position is conserved. In addition, the in silico prediction for this alteration is inconclusive. Based on the available evidence, the clinical significance of this variant remains unclear.